The following is an entry in ClinVar:

NM_001277062.2(MFF):c.660-3C>T

Gene: MFF (mitochondrial fission factor; plus strand). Cytogenetic location: 2q36.3.
Variant type: single nucleotide variant.
Coding change: c.660-3C>T on transcript NM_001277062.2 (MANE Select); 3 bases into the intron before coding-DNA position 660, C replaced by T.
Molecular consequence: intron variant.
Genome position (GRCh38, 1-based): chr2:227,355,674, C>T. VCF-style: chr2-227355674-C-T. GRCh37 (hg19) VCF-style: chr2-228220390-C-T.
Other names: c.813-3C>T (NM_001277061.2, NM_020194.5); c.516-3C>T (NM_001277063.2); c.501-3C>T (NM_001277064.2); c.441-3C>T (NM_001277065.2, NM_001277066.2); c.450-3C>T (NM_001277067.1); c.543-3C>T (NM_001277068.1).
Identifiers: ClinVar variation 509211 (VCV000509211.1), dbSNP rs1553782799, ClinGen allele CA658796195.

ClinVar aggregate classification (germline): Likely benign (1 of 4 stars; one submission).

Submission:

GeneDx
Classification: Likely benign. Last evaluated: 2017-05-04. Review status: criteria provided, single submitter. Criteria: GeneDx Variant Classification (06012015). Collection method: clinical testing. Allele origin: germline. Affected: yes.
Comment: This variant is considered likely benign or benign based on one or more of the following criteria: it is a conservative change, it occurs at a poorly conserved position in the protein, it is predicted to be benign by multiple in silico algorithms, and/or has population frequency not consistent with disease.